The following is an entry in ClinVar:

NC_000007.13:g.(?_106876875)_(107013225_?)dup

Gene: COG5 (component of oligomeric golgi complex 5; minus strand). Cytogenetic location: 7q22.3.
Variant type: Duplication.
Identifiers: ClinVar variation 2425581 (VCV002425581.4).

ClinVar aggregate classification (germline): Uncertain significance (1 of 4 stars; one submission).

Conditions:
COG5-congenital disorder of glycosylation. Also called: CONGENITAL DISORDER OF GLYCOSYLATION, TYPE IIi; COG5-CDG; CDG IIi. Identifiers: Orphanet 263487, MedGen C3150876, MONDO:0013325, OMIM 613612.

Submission:

Labcorp Genetics (formerly Invitae), Labcorp
Classification: Uncertain significance for COG5-congenital disorder of glycosylation. Last evaluated: 2021-12-10. Review status: criteria provided, single submitter. Criteria: Invitae Variant Classification Sherloc (09022015). Collection method: clinical testing. Allele origin: germline.
Comment: In summary, the available evidence is currently insufficient to determine the role of this variant in disease. Therefore, it has been classified as a Variant of Uncertain Significance. Experimental studies and prediction algorithms are not available or were not evaluated, and the functional significance of this variant is currently unknown. This variant has not been reported in the literature in individuals affected with COG5-related conditions. This variant results in a copy number gain of the genomic region encompassing exon(s) 8-18 of the COG5 gene. While the exact position of this variant cannot be determined from the data, sub-genic copy number gains are generally in tandem (PMID: 25640679). This variant is predicted to be in-frame, and likely preserves the integrity of the reading frame.

Literature cited by the submitters: PubMed 25640679.